The following is an entry in ClinVar:

NM_025137.4(SPG11):c.42C>A (p.Gly14=)

Gene: SPG11 (SPG11 vesicle trafficking associated, spatacsin; minus strand). Cytogenetic location: 15q21.1.
Variant type: single nucleotide variant.
Coding change: c.42C>A on transcript NM_025137.4 (MANE Select); coding-DNA position 42, C replaced by A.
Protein change: p.Gly14=; no amino-acid change (glycine 14 retained).
Molecular consequence: synonymous variant.
Genome position (GRCh38, 1-based): chr15:44,663,606, G>T on the plus strand (C>A on the coding strand, the complement: SPG11 is on the minus strand). VCF-style: chr15-44663606-G-T. GRCh37 (hg19) VCF-style: chr15-44955804-G-T.
Other names: p.Gly14=; c.42C>A, p.Gly14= (NM_001160227.2).
Identifiers: ClinVar variation 466524 (VCV000466524.17), dbSNP rs376542524, ClinGen allele CA7535969.

ClinVar aggregate classification (germline): Conflicting classifications of pathogenicity. Review status: criteria provided, conflicting classifications (1 of 4 stars). 4 submissions from 4 submitters: Uncertain significance (3); Likely benign (1). Last evaluated 2026-04-01.

Conditions:
Hereditary spastic paraplegia. Also called: Familial spastic paraparesis. Identifiers: Orphanet 685, MedGen C0037773, MONDO:0019064. Disease mechanism: loss of function.
Hereditary spastic paraplegia 11. Also called: SPASTIC PARAPLEGIA, AUTOSOMAL RECESSIVE, COMPLICATED, WITH THIN CORPUS CALLOSUM; SPASTIC PARAPLEGIA, AUTOSOMAL RECESSIVE, WITH MENTAL IMPAIRMENT AND THIN CORPUS CALLOSUM; Spastic Paraplegia 11; Nakamura Osame syndrome; Autosomal recessive hereditary spastic paraplegia, mental impairment, and thin corpus callosum; Spastic paraplegia, mental retardation and thin corpus callosum. Identifiers: Orphanet 2822, MedGen C1858479, MONDO:0011445, OMIM 604360.

Allele frequency attached by ClinVar (database versions not stated): TOPMed 0.00003; ESP Exome Variant Server 0.00016.

Submissions (4):

CeGaT Center for Human Genetics Tuebingen
Classification: Uncertain significance. Last evaluated: 2026-04-01. Review status: criteria provided, single submitter. Criteria: CeGaT Center For Human Genetics Tuebingen Variant Classification Criteria Version 2. Collection method: clinical testing. Allele origin: germline. Affected: yes. Observed: 1 variant allele.
Comment: SPG11: PM2, BP4

Labcorp Genetics (formerly Invitae), Labcorp
Classification: Likely benign for Hereditary spastic paraplegia 11. Last evaluated: 2026-01-28. Review status: criteria provided, single submitter. Criteria: Invitae Variant Classification Sherloc (09022015). Collection method: clinical testing. Allele origin: germline.

Mayo Clinic Laboratories, Mayo Clinic
Classification: Uncertain significance. Last evaluated: 2025-08-06. Review status: criteria provided, single submitter. Criteria: ACMG Guidelines, 2015. Collection method: clinical testing. Allele origin: germline. Observed: 1 variant allele.

Genome Diagnostics Laboratory, The Hospital for Sick Children
Classification: Uncertain significance for Hereditary spastic paraplegia. Last evaluated: 2019-02-15. Review status: criteria provided, single submitter. Criteria: ACMG Guidelines, 2015. Collection method: clinical testing. Allele origin: germline. Affected: yes.